The following is an entry in ClinVar:

NM_000080.4(CHRNE):c.1310AGG[1] (p.Glu438del)

Gene: CHRNE (cholinergic receptor nicotinic epsilon subunit; minus strand). Cytogenetic location: 17p13.2.
Variant type: Microsatellite.
Coding change: c.1310AGG[1] on transcript NM_000080.4 (MANE Select); one copy of the 3-base unit AGG starting at c.1310; the reference has two copies in a row; one copy, 3 bases deleted.
Protein change: p.Glu438del; deletes glutamic acid 438.
Genome position (GRCh38, 1-based): chr17:4,899,012-4,899,014, CCT deleted on the plus strand (AGG on the coding strand, the reverse complement: CHRNE is on the minus strand); deleting any 3 consecutive bases within chr17:4,899,012-4,899,017 gives the same sequence; the position shown is the placement nearest the transcript's 3' end. VCF-style (leftmost placement, unchanged base first): chr17-4899011-GCCT-G. GRCh37 (hg19) VCF-style: chr17-4802306-GCCT-G.
Other names: short protein forms E438del.
Identifiers: ClinVar variation 4805291 (VCV004805291.1).

ClinVar aggregate classification (germline): Uncertain significance (1 of 4 stars; one submission).

Conditions:
Congenital myasthenic syndrome 4A. Also called: Myasthenic syndrome, congenital, 4a, slow-channel; MYASTHENIC SYNDROME, CONGENITAL, 4A, SLOW-CHANNEL, AUTOSOMAL RECESSIVE; CONGENITAL MYASTHENIC SYNDROME TYPE Ia1. Identifiers: Orphanet 590, MedGen C4225413, MONDO:0011600, OMIM 605809.

Submission:

Labcorp Genetics (formerly Invitae), Labcorp
Classification: Uncertain significance for Congenital myasthenic syndrome 4A. Last evaluated: 2025-12-09. Review status: criteria provided, single submitter. Criteria: Invitae Variant Classification Sherloc (09022015). Collection method: clinical testing. Allele origin: germline.
Comment: This variant, c.1313_1315del, results in the deletion of 1 amino acid(s) of the CHRNE protein (p.Glu438del), but otherwise preserves the integrity of the reading frame. This variant is not present in population databases (gnomAD no frequency). This variant has not been reported in the literature in individuals affected with CHRNE-related conditions. Experimental studies and prediction algorithms are not available or were not evaluated, and the functional significance of this variant is currently unknown. In summary, the available evidence is currently insufficient to determine the role of this variant in disease. Therefore, it has been classified as a Variant of Uncertain Significance.